The following is an entry in ClinVar:

ClinVar aggregate classification (germline): Conflicting classifications of pathogenicity. Review status: criteria provided, conflicting classifications (1 of 4 stars). 4 submissions from 4 submitters: Uncertain significance (3); Benign (1). Last evaluated 2025-08-10.

Conditions:
Isolated focal cortical dysplasia type II (FCORD2). Also called: CORTICAL DYSPLASIA OF TAYLOR; Focal cortical dysplasia type II. Identifiers: Orphanet 268994, MedGen C1846385, MONDO:0011818, OMIM 607341, HP:0032051.
Lymphangiomyomatosis (LAM). Also called: Lymphangioleiomyomatosis, somatic; Lymphangioleiomyomatosis. Identifiers: Orphanet 538, MedGen C0751674, MONDO:0011705, OMIM 606690.
Tuberous sclerosis 2 (TSC2). Identifiers: Orphanet 805, MedGen C1860707, MONDO:0013199, OMIM 613254.
Hereditary cancer-predisposing syndrome. Also called: Hereditary neoplastic syndrome; Tumor predisposition; Neoplastic Syndromes, Hereditary; Hereditary Cancer Syndrome. Identifiers: Orphanet 140162, MedGen C0027672, MeSH D009386, MONDO:0015356.

Allele frequency attached by ClinVar (database versions not stated): gnomAD exomes below 0.00001.
gnomAD v4.1: 2 of 1,614,208 alleles (0.00012%); highest among the groups gnomAD compares: Non-Finnish European, 0.000085%; no homozygotes.

Submissions (4):

Labcorp Genetics (formerly Invitae), Labcorp
Classification: Benign for Tuberous sclerosis 2. Last evaluated: 2025-08-10. Review status: criteria provided, single submitter. Criteria: Invitae Variant Classification Sherloc (09022015). Collection method: clinical testing. Allele origin: germline.

Ambry Genetics
Classification: Uncertain significance for Hereditary cancer-predisposing syndrome. Last evaluated: 2025-06-19. Review status: criteria provided, single submitter. Criteria: Ambry Variant Classification Scheme 2023. Collection method: clinical testing. Allele origin: germline.
Comment: The p.L394M variant (also known as c.1180C>A), located in coding exon 11 of the TSC2 gene, results from a C to A substitution at nucleotide position 1180. The leucine at codon 394 is replaced by methionine, an amino acid with highly similar properties. This amino acid position is highly conserved in available vertebrate species. In addition, the in silico prediction for this alteration is inconclusive. Based on the available evidence, the clinical significance of this variant remains unclear.

Fulgent Genetics
Classification: Uncertain significance for Lymphangiomyomatosis; Isolated focal cortical dysplasia type II; Tuberous sclerosis 2. Last evaluated: 2024-03-11. Review status: criteria provided, single submitter. Criteria: ACMG Guidelines, 2015. Collection method: clinical testing. Allele origin: germline.

Baylor Genetics
Classification: Uncertain significance for Isolated focal cortical dysplasia type II. Last evaluated: 2023-10-04. Review status: criteria provided, single submitter. Criteria: ACMG Guidelines, 2015. Collection method: clinical testing. Allele origin: unknown.

NM_000548.5(TSC2):c.1180C>A (p.Leu394Met)

Gene: TSC2 (TSC complex subunit 2; plus strand). Cytogenetic location: 16p13.3.
Variant type: single nucleotide variant.
Coding change: c.1180C>A on transcript NM_000548.5 (MANE Select); coding-DNA position 1180, C replaced by A.
Protein change: p.Leu394Met; replaces leucine 394 with methionine.
Molecular consequence: missense variant.
Genome position (GRCh38, 1-based): chr16:2,061,931, C>A. VCF-style: chr16-2061931-C-A. GRCh37 (hg19) VCF-style: chr16-2111932-C-A.
Other names: c.1180C>A (NM_000548.3); c.1180C>A, p.Leu394Met (NM_001077183.3, NM_001114382.3, NM_001363528.2 and 3 more transcripts); c.1069C>A, p.Leu357Met (NM_001318827.2); c.1033C>A, p.Leu345Met (NM_001318829.2); c.580C>A, p.Leu194Met (NM_001318831.2); c.1213C>A, p.Leu405Met (NM_001318832.2); short protein forms L357M, L194M, L345M, L394M, L405M.
Identifiers: ClinVar variation 1471872 (VCV001471872.9), dbSNP rs1409309186, ClinGen allele CA394320513.